The following is an entry in ClinVar:

ClinVar aggregate classification (germline): Pathogenic/Likely pathogenic. Review status: criteria provided, multiple submitters, no conflicts (2 of 4 stars). 3 submissions from 3 submitters: Pathogenic (2); Likely pathogenic (1). Last evaluated 2026-03-20.

Conditions:
Bardet-Biedl syndrome (BBS). Identifiers: Orphanet 110, MedGen C0752166, MONDO:0015229.
Bardet-Biedl syndrome 12 (BBS12). Identifiers: Orphanet 110, MedGen C1859570, MONDO:0014440, OMIM 615989.

Allele frequency attached by ClinVar (database versions not stated): gnomAD exomes below 0.00001.
gnomAD v4.1: 2 of 1,614,160 alleles (0.00012%); highest among the groups gnomAD compares: Non-Finnish European, 0.00017%; no homozygotes.

Submissions (3):

Myriad Genetics, Inc.
Classification: Pathogenic for Bardet-Biedl syndrome 12. Last evaluated: 2026-03-20. Review status: criteria provided, single submitter. Criteria: Myriad Autosomal Dominant, Autosomal Recessive and X-Linked Classification Criteria (2023). Collection method: clinical testing. Allele origin: unknown.
Comment: NM_152618.2(BBS12):c.1799C>G(S600*) is a nonsense variant classified as pathogenic in the context of Bardet-Biedl syndrome, BBS12-related. S600* has not been observed in cases with relevant disease. Relevant functional assessments of this variant are not available in the literature. S600* has not been observed in referenced population frequency databases. In summary, NM_152618.2(BBS12):c.1799C>G(S600*) is a nonsense variant in a gene where loss of function is a known mechanism of disease and is predicted to disrupt protein function. Please note: this variant was assessed in the context of healthy population screening.

Baylor Genetics
Classification: Likely pathogenic for Bardet-Biedl syndrome 12. Last evaluated: 2024-01-20. Review status: criteria provided, single submitter. Criteria: ACMG Guidelines, 2015. Collection method: clinical testing. Allele origin: unknown.

Labcorp Genetics (formerly Invitae), Labcorp
Classification: Pathogenic for Bardet-Biedl syndrome. Last evaluated: 2022-01-01. Review status: criteria provided, single submitter. Criteria: Invitae Variant Classification Sherloc (09022015). Collection method: clinical testing. Allele origin: germline.
Comment: This variant is not present in population databases (gnomAD no frequency). This sequence change creates a premature translational stop signal (p.Ser600*) in the BBS12 gene. While this is not anticipated to result in nonsense mediated decay, it is expected to disrupt the last 111 amino acid(s) of the BBS12 protein. This variant has not been reported in the literature in individuals affected with BBS12-related conditions. For these reasons, this variant has been classified as Pathogenic. This variant disrupts a region of the BBS12 protein in which other variant(s) (p.Asp687Valfs*3) have been determined to be pathogenic (Invitae). This suggests that this is a clinically significant region of the protein, and that variants that disrupt it are likely to be disease-causing.

NM_152618.3(BBS12):c.1799C>G (p.Ser600Ter)

Gene: BBS12 (Bardet-Biedl syndrome 12; plus strand). Cytogenetic location: 4q27.
Variant type: single nucleotide variant.
Coding change: c.1799C>G on transcript NM_152618.3 (MANE Select); coding-DNA position 1799, C replaced by G.
Protein change: p.Ser600Ter; replaces serine 600 with a stop codon.
Molecular consequence: nonsense.
Genome position (GRCh38, 1-based): chr4:122,743,691, C>G. VCF-style: chr4-122743691-C-G. GRCh37 (hg19) VCF-style: chr4-123664846-C-G.
Other names: c.1799C>G, p.Ser600Ter (NM_001178007.2); short protein forms S600*.
Identifiers: ClinVar variation 2069346 (VCV002069346.7), dbSNP rs2485078084, ClinGen allele CA358225902.